The following is an entry in ClinVar:

NM_004958.4(MTOR):c.1528G>A (p.Ala510Thr)

Gene: MTOR (mechanistic target of rapamycin kinase; minus strand). Cytogenetic location: 1p36.22.
Variant type: single nucleotide variant.
Coding change: c.1528G>A on transcript NM_004958.4 (MANE Select); coding-DNA position 1528, G replaced by A.
Protein change: p.Ala510Thr; replaces alanine 510 with threonine.
Molecular consequence: missense variant.
Genome position (GRCh38, 1-based): chr1:11,241,566, C>T on the plus strand (G>A on the coding strand, the complement: MTOR is on the minus strand). VCF-style: chr1-11241566-C-T. GRCh37 (hg19) VCF-style: chr1-11301623-C-T.
Other names: c.1528G>A, p.Ala510Thr (NM_001386500.1); c.280G>A, p.Ala94Thr (NM_001386501.1); short protein forms A510T, A94T.
Identifiers: ClinVar variation 2444806 (VCV002444806.1), dbSNP rs2100914750, ClinGen allele CA338394737.

ClinVar aggregate classification (germline): Uncertain significance (1 of 4 stars; one submission).

Submission:

GeneDx
Classification: Uncertain significance. Last evaluated: 2022-09-19. Review status: criteria provided, single submitter. Criteria: GeneDx Variant Classification Process June 2021. Collection method: clinical testing. Allele origin: germline. Affected: yes.
Comment: Not observed at significant frequency in large population cohorts (gnomAD); In silico analysis supports that this missense variant does not alter protein structure/function; Has not been previously published as pathogenic or benign to our knowledge